The following is an entry in ClinVar:

ClinVar aggregate classification (germline): Likely benign. Review status: criteria provided, multiple submitters, no conflicts (2 of 4 stars). 4 submissions from 4 submitters: Likely benign (3). 1 of the submissions does not count toward it. Last evaluated 2025-12-21.

Conditions:
PIEZO1-related disorder. Also called: PIEZO1-related condition; PIEZO1-Related Disorders.

Allele frequency attached by ClinVar (database versions not stated): ExAC 0.00017; gnomAD exomes 0.00018 and 0.00043; TOPMed 0.00026; gnomAD 0.00030 and 0.00033.

Submissions (4):

Labcorp Genetics (formerly Invitae), Labcorp
Classification: Likely benign. Last evaluated: 2025-12-21. Review status: criteria provided, single submitter. Criteria: Invitae Variant Classification Sherloc (09022015). Collection method: clinical testing. Allele origin: germline.

Blueprint Genetics
Classification: Likely benign. Last evaluated: 2024-10-18. Review status: criteria provided, single submitter. Criteria: ACMG Guidelines, 2015. Collection method: clinical testing. Allele origin: germline.

ARUP Laboratories, Molecular Genetics and Genomics, ARUP Laboratories
Classification: Likely benign. Last evaluated: 2020-01-16. Review status: criteria provided, single submitter. Criteria: ARUP Molecular Germline Variant Investigation Process. Collection method: clinical testing. Allele origin: germline.

PreventionGenetics, part of Exact Sciences
Classification: Likely benign for PIEZO1-related condition. Last evaluated: 2019-05-13. Review status: no assertion criteria provided. Collection method: clinical testing. Allele origin: germline. Not counted in ClinVar's aggregate classification.
Comment: This variant is classified as likely benign based on ACMG/AMP sequence variant interpretation guidelines (Richards et al. 2015 PMID: 25741868, with internal and published modifications).

NM_001142864.4(PIEZO1):c.2742C>A (p.Ala914=)

Genes: HSALR1 (HSP90AB1 associated lncRNA 1; plus strand), PIEZO1 (piezo type mechanosensitive ion channel component 1 (Er blood group); minus strand). Cytogenetic location: 16q24.3.
Variant type: single nucleotide variant.
Coding change: c.2742C>A on transcript NM_001142864.4 (MANE Select); coding-DNA position 2742, C replaced by A.
Protein change: p.Ala914=; no amino-acid change (alanine 914 retained).
Molecular consequence: synonymous variant.
Genome position (GRCh38, 1-based): chr16:88,732,655, G>T on the plus strand (C>A on the coding strand, the complement: PIEZO1 is on the minus strand). VCF-style: chr16-88732655-G-T. GRCh37 (hg19) VCF-style: chr16-88799063-G-T.
Identifiers: ClinVar variation 722536 (VCV000722536.16), dbSNP rs771618589, ClinGen allele CA8232717.
Genomic context (GRCh38, chr16:88,732,655, plus strand): 5'-CCTTCAACTCACCTGGATGTAGCCCAGGTTGGGGAACCCTTTCCGCACCCCAAACCAGTT[G>T]GCAGGGTCCACGGGCCCCCGGTACAGCAGGGACTGGCTGATCTCCGTGGGCAGCAAGTTG-3'
Protein context (NP_001136336.2, residues 904-924): SLLYRGPVDP[Ala914=]NWFGVRKGFP